The following is an entry in ClinVar:

NM_017852.5(NLRP2):c.1815C>G (p.Leu605=)

Gene: NLRP2 (NLR family pyrin domain containing 2; plus strand). Cytogenetic location: 19q13.42.
Variant type: single nucleotide variant.
Coding change: c.1815C>G on transcript NM_017852.5 (MANE Select); coding-DNA position 1815, C replaced by G.
Protein change: p.Leu605=; no amino-acid change (leucine 605 retained).
Molecular consequence: synonymous variant. On other transcripts: non-coding transcript variant (1).
Genome position (GRCh38, 1-based): chr19:54,983,513, C>G. VCF-style: chr19-54983513-C-G. GRCh37 (hg19) VCF-style: chr19-55494881-C-G.
Other names: c.1815C>G, p.Leu605= (NM_001174081.3); c.1749C>G, p.Leu583= (NM_001174082.3); c.1746C>G, p.Leu582= (NM_001174083.2); c.1806C>G, p.Leu602= (NM_001348003.2).
Identifiers: ClinVar variation 3058878 (VCV003058878.2), dbSNP rs11672113, ClinGen allele CA310105638.

ClinVar aggregate classification (germline): Benign (0 of 4 stars; one submission).

Conditions:
NLRP2-related disorder. Also called: NLRP2-related condition.

Allele frequency attached by ClinVar (database versions not stated): 1000 Genomes Project 0.27196; 1000 Genomes Project 30x 0.27374; ESP Exome Variant Server 0.31278; TOPMed 0.31622.
gnomAD v4.1: 576,491 of 1,613,868 alleles (36%); highest among the groups gnomAD compares: Admixed American, 39%; 105,684 homozygotes.

Submission:

PreventionGenetics, part of Exact Sciences
Classification: Benign for NLRP2-related condition. Last evaluated: 2024-03-06. Review status: no assertion criteria provided. Collection method: clinical testing. Allele origin: germline.
Comment: This variant is classified as benign based on ACMG/AMP sequence variant interpretation guidelines (Richards et al. 2015 PMID: 25741868, with internal and published modifications).